The following is an entry in ClinVar:

NM_002591.4(PCK1):c.282C>T (p.Ile94=)

Gene: PCK1 (phosphoenolpyruvate carboxykinase 1; plus strand). Cytogenetic location: 20q13.31.
Variant type: single nucleotide variant.
Coding change: c.282C>T on transcript NM_002591.4 (MANE Select); coding-DNA position 282, C replaced by T.
Protein change: p.Ile94=; no amino-acid change (isoleucine 94 retained).
Molecular consequence: synonymous variant.
Genome position (GRCh38, 1-based): chr20:57,562,128, C>T. VCF-style: chr20-57562128-C-T. GRCh37 (hg19) VCF-style: chr20-56137184-C-T.
Identifiers: ClinVar variation 338874 (VCV000338874.15), dbSNP rs6070157, ClinGen allele CA9921955.

ClinVar aggregate classification (germline): Benign/Likely benign. Review status: criteria provided, multiple submitters, no conflicts (2 of 4 stars). 5 submissions from 5 submitters: Benign (4); Likely benign (1). Last evaluated 2026-02-04.

Conditions:
Phosphoenolpyruvate carboxykinase deficiency, cytosolic (PCKDC). Also called: PCK1 DEFICIENCY, CYTOSOLIC; PEPCK DEFICIENCY, CYTOSOLIC. Identifiers: Orphanet 2880, MedGen C5574905, MONDO:0009866, OMIM 261680.

Allele frequency attached by ClinVar (database versions not stated): gnomAD 0.17400 and 0.17134; ESP Exome Variant Server 0.17484; ExAC 0.17708; gnomAD exomes 0.19186 and 0.17213; 1000 Genomes Project 0.12220; 1000 Genomes Project 30x 0.12742; TOPMed 0.16003.
gnomAD v4.1: 305,384 of 1,613,658 alleles (19%); highest among the groups gnomAD compares: Non-Finnish European, 20%; 30,555 homozygotes.

Submissions (5):

Labcorp Genetics (formerly Invitae), Labcorp
Classification: Benign. Last evaluated: 2026-02-04. Review status: criteria provided, single submitter. Criteria: Invitae Variant Classification Sherloc (09022015). Collection method: clinical testing. Allele origin: germline.

Blueprint Genetics
Classification: Likely benign. Last evaluated: 2024-11-28. Review status: criteria provided, single submitter. Criteria: ACMG Guidelines, 2015. Collection method: clinical testing. Allele origin: germline.

GeneDx
Classification: Benign. Last evaluated: 2021-05-04. Review status: criteria provided, single submitter. Criteria: GeneDx Variant Classification Process June 2021. Collection method: clinical testing. Allele origin: germline. Affected: yes.

Illumina Laboratory Services, Illumina
Classification: Benign for Phosphoenolpyruvate carboxykinase deficiency, cytosolic. Last evaluated: 2018-01-12. Review status: criteria provided, single submitter. Criteria: ICSL Variant Classification Criteria 13 December 2019. Collection method: clinical testing. Allele origin: germline.
Comment: This variant was observed in the ICSL laboratory as part of a predisposition screen in an ostensibly healthy population. It had not been previously curated by ICSL or reported in the Human Gene Mutation Database (HGMD: prior to June 1st, 2018), and was therefore a candidate for classification through an automated scoring system. Utilizing variant allele frequency, disease prevalence and penetrance estimates, and inheritance mode, an automated score was calculated to assess if this variant is too frequent to cause the disease. Based on the score and internal cut-off values, a variant classified as benign is not then subjected to further curation. The score for this variant resulted in a classification of benign for this disease.

Breakthrough Genomics
Classification: Benign. Review status: criteria provided, single submitter. Criteria: ACMG Guidelines, 2015. Collection method: not provided. Allele origin: germline. Inheritance: Autosomal recessive inheritance. Affected: yes.